The following is an entry in ClinVar:

ClinVar aggregate classification (germline): Likely pathogenic (1 of 4 stars; one submission).

Conditions:
Dilated cardiomyopathy 1G (CMD1G). Identifiers: Orphanet 154, MedGen C1858763, MONDO:0011400, OMIM 604145.
Autosomal recessive limb-girdle muscular dystrophy type 2J (LGMDR10). Also called: Limb-girdle muscular dystrophy, type 2J; MUSCULAR DYSTROPHY, LIMB-GIRDLE, AUTOSOMAL RECESSIVE 10. Identifiers: Orphanet 140922, MedGen C1837342, MONDO:0012127, OMIM 608807.

Submission:

Labcorp Genetics (formerly Invitae), Labcorp
Classification: Likely pathogenic for Dilated cardiomyopathy 1G; Autosomal recessive limb-girdle muscular dystrophy type 2J. Last evaluated: 2024-10-28. Review status: criteria provided, single submitter. Criteria: Invitae Variant Classification Sherloc (09022015). Collection method: clinical testing. Allele origin: germline.
Comment: This sequence change affects a donor splice site in intron 91 of the TTN gene. It is expected to disrupt RNA splicing and likely results in a truncated or disrupted TTN protein. This variant is not present in population databases (gnomAD no frequency). This variant has not been reported in the literature in individuals affected with TTN-related conditions. ClinVar contains an entry for this variant (Variation ID: 646531). Algorithms developed to predict the effect of sequence changes on RNA splicing suggest that this variant may disrupt the consensus splice site. This variant is located in the I band of TTN (PMID: 25589632). Truncating variants in this region have been reported in individuals affected with autosomal recessive centronuclear myopathy (PMID: 23975875, internal data). Truncating variants in this region have also been identified in individuals affected with autosomal dominant dilated cardiomyopathy and/or cardio-related conditions (PMID: 27869827, 32964742, internal data). In summary, the currently available evidence indicates that the variant is pathogenic, but additional data are needed to prove that conclusively. Therefore, this variant has been classified as Likely Pathogenic.

Literature cited by the submitters: PubMed 25589632; PubMed 23975875; PubMed 27869827; PubMed 32964742.

NM_001267550.2(TTN):c.26482+1G>A

Gene: TTN (titin; minus strand). Cytogenetic location: 2q31.2.
Variant type: single nucleotide variant.
Coding change: c.26482+1G>A on transcript NM_001267550.2 (MANE Select); the canonical splice donor site of the intron after coding-DNA position 26482, G replaced by A.
Molecular consequence: splice donor variant. On other transcripts: intron variant (3).
Genome position (GRCh38, 1-based): chr2:178,714,291, C>T on the plus strand (G>A on the coding strand, the complement: TTN is on the minus strand). VCF-style: chr2-178714291-C-T. GRCh37 (hg19) VCF-style: chr2-179579018-C-T.
Other names: c.13657+23791G>A (NM_133432.3); c.22750+1G>A (NM_133378.4); c.25531+1G>A (NM_001256850.1); c.13282+23791G>A (NM_003319.4); c.13858+23791G>A (NM_133437.4).
Identifiers: ClinVar variation 646531 (VCV000646531.9), dbSNP rs1440418037, ClinGen allele CA349469035.